The following is an entry in ClinVar:

ClinVar aggregate classification (germline): Uncertain significance. Review status: criteria provided, multiple submitters, no conflicts (2 of 4 stars). 2 submissions from 2 submitters: Uncertain significance (2). Last evaluated 2024-11-21.

Conditions:
TOPORS-related disorder. Also called: TOPORS-related condition.

Allele frequency attached by ClinVar (database versions not stated): gnomAD 0.00001 and 0.00002; TOPMed 0.00002.
gnomAD v4.1: 5 of 1,613,766 alleles (0.00031%); highest among the groups gnomAD compares: Admixed American, 0.005%; no homozygotes.

Submissions (2):

PreventionGenetics, part of Exact Sciences
Classification: Uncertain significance for TOPORS-related condition. Last evaluated: 2024-11-21. Review status: criteria provided, single submitter. Criteria: ACMG Guidelines, 2015. Collection method: clinical testing. Allele origin: germline.
Comment: The TOPORS c.2624C>T variant is predicted to result in the amino acid substitution p.Ala875Val. To our knowledge, this variant has not been reported in the literature or in a large population database (gnomAD), indicating this variant is rare. At this time, the clinical significance of this variant is uncertain due to the absence of conclusive functional and genetic evidence.

Labcorp Genetics (formerly Invitae), Labcorp
Classification: Uncertain significance. Last evaluated: 2024-11-05. Review status: criteria provided, single submitter. Criteria: Invitae Variant Classification Sherloc (09022015). Collection method: clinical testing. Allele origin: germline.
Comment: This sequence change replaces alanine, which is neutral and non-polar, with valine, which is neutral and non-polar, at codon 875 of the TOPORS protein (p.Ala875Val). This variant is not present in population databases (gnomAD no frequency). This variant has not been reported in the literature in individuals affected with TOPORS-related conditions. ClinVar contains an entry for this variant (Variation ID: 1354293). An algorithm developed to predict the effect of missense changes on protein structure and function outputs the following: PolyPhen-2: "Not Available". The valine amino acid residue is found in multiple mammalian species, which suggests that this missense change does not adversely affect protein function. In summary, the available evidence is currently insufficient to determine the role of this variant in disease. Therefore, it has been classified as a Variant of Uncertain Significance.

NM_005802.5(TOPORS):c.2624C>T (p.Ala875Val)

Gene: TOPORS (TOP1 binding arginine/serine rich protein, E3 ubiquitin ligase; minus strand). Cytogenetic location: 9p21.1.
Variant type: single nucleotide variant.
Coding change: c.2624C>T on transcript NM_005802.5 (MANE Select); coding-DNA position 2624, C replaced by T.
Protein change: p.Ala875Val; replaces alanine 875 with valine.
Molecular consequence: missense variant.
Genome position (GRCh38, 1-based): chr9:32,541,901, G>A on the plus strand (C>T on the coding strand, the complement: TOPORS is on the minus strand). VCF-style: chr9-32541901-G-A. GRCh37 (hg19) VCF-style: chr9-32541899-G-A.
Other names: c.2429C>T, p.Ala810Val (NM_001195622.2); c.2624C>T (NM_005802.4); short protein forms A875V, A810V.
Identifiers: ClinVar variation 1354293 (VCV001354293.7), dbSNP rs868351393, ClinGen allele CA192358181.